The following is an entry in ClinVar:

ClinVar aggregate classification (germline): Uncertain significance (1 of 4 stars; one submission).

Conditions:
Hereditary spastic paraplegia 30. Identifiers: Orphanet 101010, MedGen C5235139, MONDO:0012476.
Neuropathy, hereditary sensory, type 2C. Also called: Hereditary sensory and autonomic neuropathy type IIC; KIF1A-Related HSAN2 (HSAN2C). Identifiers: Orphanet 970, MedGen C3280168, MONDO:0013634, OMIM 614213.
Intellectual disability, autosomal dominant 9 (NESCAVS). Also called: NESCAV SYNDROME; KIF1A-Related Neurodevelopmental Disorder. Identifiers: Orphanet 662367, MedGen C5393830, MONDO:0013656, OMIM 614255.

Allele frequency attached by ClinVar (database versions not stated): TOPMed below 0.00001; gnomAD 0.00001.
gnomAD v4.1: 1 of 1,610,362 alleles (0.000062%); highest among the groups gnomAD compares: Non-Finnish European, 0.000085%; no homozygotes.

Submission:

Labcorp Genetics (formerly Invitae), Labcorp
Classification: Uncertain significance for Hereditary spastic paraplegia 30; Neuropathy, hereditary sensory, type 2C; Intellectual disability, autosomal dominant 9. Last evaluated: 2023-08-17. Review status: criteria provided, single submitter. Criteria: Invitae Variant Classification Sherloc (09022015). Collection method: clinical testing. Allele origin: germline.
Comment: This sequence change replaces glutamine, which is neutral and polar, with proline, which is neutral and non-polar, at codon 640 of the KIF1A protein (p.Gln640Pro). This variant is not present in population databases (gnomAD no frequency). In summary, the available evidence is currently insufficient to determine the role of this variant in disease. Therefore, it has been classified as a Variant of Uncertain Significance. Advanced modeling of protein sequence and biophysical properties (such as structural, functional, and spatial information, amino acid conservation, physicochemical variation, residue mobility, and thermodynamic stability) has been performed at Invitae for this missense variant, however the output from this modeling did not meet the statistical confidence thresholds required to predict the impact of this variant on KIF1A protein function. ClinVar contains an entry for this variant (Variation ID: 1421240). This variant has not been reported in the literature in individuals affected with KIF1A-related conditions.

NM_001244008.2(KIF1A):c.1946A>C (p.Gln649Pro)

Gene: KIF1A (kinesin family member 1A; minus strand). Cytogenetic location: 2q37.3.
Variant type: single nucleotide variant.
Coding change: c.1946A>C on transcript NM_001244008.2 (MANE Select); coding-DNA position 1946, A replaced by C.
Protein change: p.Gln649Pro; replaces glutamine 649 with proline.
Molecular consequence: missense variant.
Genome position (GRCh38, 1-based): chr2:240,763,169, T>G on the plus strand (A>C on the coding strand, the complement: KIF1A is on the minus strand). VCF-style: chr2-240763169-T-G. GRCh37 (hg19) VCF-style: chr2-241702586-T-G.
Other names: c.1946A>C, p.Gln649Pro (NM_001320705.2, NM_001330289.2, NM_001379638.1); c.2021A>C, p.Gln674Pro (NM_001330290.2, NM_001379631.1, NM_001379634.1 and 2 more transcripts); c.1919A>C, p.Gln640Pro (NM_001379632.1, NM_001379633.1, NM_001379636.1 and 10 more transcripts); c.1994A>C, p.Gln665Pro (NM_001379637.1, NM_001379648.1); short protein forms Q674P, Q649P, Q665P, Q640P.
Identifiers: ClinVar variation 1421240 (VCV001421240.6), dbSNP rs1356741390, ClinGen allele CA351326838.